The following is an entry in ClinVar:

NM_001127208.3(TET2):c.779T>C (p.Leu260Ser)

Genes: TET2 (tet methylcytosine dioxygenase 2; plus strand), TET2-AS1 (TET2 antisense RNA 1; minus strand). Cytogenetic location: 4q24.
Variant type: single nucleotide variant.
Coding change: c.779T>C on transcript NM_001127208.3 (MANE Select); coding-DNA position 779, T replaced by C.
Protein change: p.Leu260Ser; replaces leucine 260 with serine.
Molecular consequence: missense variant.
Genome position (GRCh38, 1-based): chr4:105,234,721, T>C. VCF-style: chr4-105234721-T-C. GRCh37 (hg19) VCF-style: chr4-106155878-T-C.
Other names: c.779T>C, p.Leu260Ser (NM_017628.4); short protein forms L260S.
Identifiers: ClinVar variation 3805940 (VCV003805940.1).

ClinVar aggregate classification (germline): Uncertain significance (1 of 4 stars; one submission).

gnomAD v4.1: 2 of 1,614,092 alleles (0.00012%); highest among the groups gnomAD compares: African/African-American, 0.0027%; no homozygotes.

Submission:

Ambry Genetics
Classification: Uncertain significance. Last evaluated: 2025-01-06. Review status: criteria provided, single submitter. Criteria: Ambry Variant Classification Scheme 2023. Collection method: clinical testing. Allele origin: germline.
Comment: The p.L260S variant (also known as c.779T>C), located in coding exon 1 of the TET2 gene, results from a T to C substitution at nucleotide position 779. The leucine at codon 260 is replaced by serine, an amino acid with dissimilar properties. This amino acid position is conserved. In addition, this alteration is predicted to be tolerated by in silico analysis. Based on the available evidence, the clinical significance of this variant remains unclear.